The following is an entry in ClinVar:

ClinVar aggregate classification (germline): Uncertain significance. Review status: criteria provided, multiple submitters, no conflicts (2 of 4 stars). 2 submissions from 2 submitters: Uncertain significance (2). Last evaluated 2022-01-21.

Allele frequency attached by ClinVar (database versions not stated): gnomAD exomes below 0.00001 and 0.00001; ExAC 0.00001; gnomAD 0.00001; TOPMed 0.00001; ESP Exome Variant Server 0.00008.
gnomAD v4.1: 4 of 1,613,832 alleles (0.00025%); highest among the groups gnomAD compares: Non-Finnish European, 0.00025%; no homozygotes.

Submissions (2):

Labcorp Genetics (formerly Invitae), Labcorp
Classification: Uncertain significance. Last evaluated: 2022-01-21. Review status: criteria provided, single submitter. Criteria: Invitae Variant Classification Sherloc (09022015). Collection method: clinical testing. Allele origin: germline.
Comment: This sequence change replaces glycine, which is neutral and non-polar, with glutamic acid, which is acidic and polar, at codon 273 of the CDHR1 protein (p.Gly273Glu). This variant is present in population databases (rs372612164, gnomAD 0.0009%). This variant has not been reported in the literature in individuals affected with CDHR1-related conditions. Advanced modeling of protein sequence and biophysical properties (such as structural, functional, and spatial information, amino acid conservation, physicochemical variation, residue mobility, and thermodynamic stability) performed at Invitae indicates that this missense variant is not expected to disrupt CDHR1 protein function. In summary, the available evidence is currently insufficient to determine the role of this variant in disease. Therefore, it has been classified as a Variant of Uncertain Significance.

Blueprint Genetics
Classification: Uncertain significance. Last evaluated: 2021-10-04. Review status: criteria provided, single submitter. Criteria: ACMG Guidelines, 2015. Collection method: clinical testing. Allele origin: germline.

NM_033100.4(CDHR1):c.818G>A (p.Gly273Glu)

Gene: CDHR1 (cadherin related family member 1; plus strand). Cytogenetic location: 10q23.1.
Variant type: single nucleotide variant.
Coding change: c.818G>A on transcript NM_033100.4 (MANE Select); coding-DNA position 818, G replaced by A.
Protein change: p.Gly273Glu; replaces glycine 273 with glutamic acid.
Molecular consequence: missense variant.
Genome position (GRCh38, 1-based): chr10:84,204,561, G>A. VCF-style: chr10-84204561-G-A. GRCh37 (hg19) VCF-style: chr10-85964317-G-A.
Other names: c.818G>A, p.Gly273Glu (NM_001171971.3); short protein forms G273E.
Identifiers: ClinVar variation 1418012 (VCV001418012.6), dbSNP rs372612164, ClinGen allele CA5579719.